The following is an entry in ClinVar:

ClinVar aggregate classification (germline): Uncertain significance (1 of 4 stars; one submission).

Allele frequency attached by ClinVar (database versions not stated): ExAC 0.00001; gnomAD 0.00001.
gnomAD v4.1: 4 of 1,613,530 alleles (0.00025%); highest among the groups gnomAD compares: Non-Finnish European, 0.00034%; no homozygotes.

Submission:

CeGaT Center for Human Genetics Tuebingen
Classification: Uncertain significance. Last evaluated: 2023-11-01. Review status: criteria provided, single submitter. Criteria: CeGaT Center For Human Genetics Tuebingen Variant Classification Criteria Version 2. Collection method: clinical testing. Allele origin: germline. Affected: yes. Observed: 2 variant alleles.
Comment: HADHB: PM2, PP4

NM_000183.3(HADHB):c.154A>T (p.Arg52Trp)

Gene: HADHB (hydroxyacyl-CoA dehydrogenase trifunctional multienzyme complex subunit beta; plus strand). Cytogenetic location: 2p23.3.
Variant type: single nucleotide variant.
Coding change: c.154A>T on transcript NM_000183.3 (MANE Select); coding-DNA position 154, A replaced by T.
Protein change: p.Arg52Trp; replaces arginine 52 with tryptophan.
Molecular consequence: missense variant.
Genome position (GRCh38, 1-based): chr2:26,263,424, A>T. VCF-style: chr2-26263424-A-T. GRCh37 (hg19) VCF-style: chr2-26486292-A-T.
Other names: c.154A>T, p.Arg52Trp (NM_001281512.2); c.88A>T, p.Arg30Trp (NM_001281513.2); short protein forms R30W, R52W.
Identifiers: ClinVar variation 2672802 (VCV002672802.23), dbSNP rs755967503, ClinGen allele CA1560105.
Genomic context (GRCh38, chr2:26,263,424, plus strand): 5'-AAACTTTATCTTAAAGCTGTCCAGACCAAAACGAAGAAGACGTTAGCCAAACCCAATATA[A>T]GGAATGTTGTGGTGGTGGATGGTGTTCGCACTCCATTTTTGCTGTCTGGCACTTCGTAAG-3'
Protein context (NP_000174.1, residues 42-62): TKKTLAKPNI[Arg52Trp]NVVVVDGVRT